The following is an entry in ClinVar:

NM_014989.7(RIMS1):c.3619A>G (p.Ile1207Val)

Gene: RIMS1 (regulating synaptic membrane exocytosis 1; plus strand). Cytogenetic location: 6q13.
Variant type: single nucleotide variant.
Coding change: c.3619A>G on transcript NM_014989.7 (MANE Select); coding-DNA position 3619, A replaced by G.
Protein change: p.Ile1207Val; replaces isoleucine 1207 with valine.
Molecular consequence: missense variant. On other transcripts: intron variant (56).
Genome position (GRCh38, 1-based): chr6:72,290,743, A>G. VCF-style: chr6-72290743-A-G. GRCh37 (hg19) VCF-style: chr6-73000446-A-G.
Other names: c.1693A>G, p.Ile565Val (NM_001350420.2); c.1675A>G, p.Ile559Val (NM_001350431.2); c.1762A>G, p.Ile588Val (NM_001350438.2, NM_001350456.2); c.1765A>G, p.Ile589Val (NM_001350442.2, NM_001350446.2); c.1624A>G, p.Ile542Val (NM_001350462.2); c.1632-1191A>G (NM_001350428.2); c.1560-1191A>G (NM_001350459.2, NM_001350424.2); c.1641-1191A>G (NM_001350437.2); and 32 more; short protein forms I588V, I565V, I589V, I1207V, I542V, I559V.
Identifiers: ClinVar variation 1421104 (VCV001421104.7), dbSNP rs752187263, ClinGen allele CA3886304.

ClinVar aggregate classification (germline): Uncertain significance. Review status: criteria provided, multiple submitters, no conflicts (2 of 4 stars). 2 submissions from 2 submitters: Uncertain significance (2). Last evaluated 2024-05-29.

Allele frequency attached by ClinVar (database versions not stated): gnomAD 0.00001; TOPMed 0.00001; ExAC 0.00003; gnomAD exomes 0.00003.
gnomAD v4.1: 8 of 1,613,716 alleles (0.0005%); highest among the groups gnomAD compares: East Asian, 0.013%; no homozygotes.

Submissions (2):

Ambry Genetics
Classification: Uncertain significance. Last evaluated: 2024-05-29. Review status: criteria provided, single submitter. Criteria: Ambry Variant Classification Scheme 2023. Collection method: clinical testing. Allele origin: germline.

Labcorp Genetics (formerly Invitae), Labcorp
Classification: Uncertain significance. Last evaluated: 2024-01-24. Review status: criteria provided, single submitter. Criteria: Invitae Variant Classification Sherloc (09022015). Collection method: clinical testing. Allele origin: germline.
Comment: This sequence change replaces isoleucine, which is neutral and non-polar, with valine, which is neutral and non-polar, at codon 1207 of the RIMS1 protein (p.Ile1207Val). This variant is present in population databases (rs752187263, gnomAD 0.04%). This variant has not been reported in the literature in individuals affected with RIMS1-related conditions. ClinVar contains an entry for this variant (Variation ID: 1421104). Algorithms developed to predict the effect of missense changes on protein structure and function output the following: SIFT: "Not Available"; PolyPhen-2: "Benign"; Align-GVGD: "Not Available". The valine amino acid residue is found in multiple mammalian species, which suggests that this missense change does not adversely affect protein function. In summary, the available evidence is currently insufficient to determine the role of this variant in disease. Therefore, it has been classified as a Variant of Uncertain Significance.